The following is an entry in ClinVar:

NM_001375834.1(WIPF1):c.1164C>T (p.Asn388=)

Gene: WIPF1 (WAS/WASL interacting protein family member 1; minus strand). Cytogenetic location: 2q31.1.
Variant type: single nucleotide variant.
Coding change: c.1164C>T on transcript NM_001375834.1 (MANE Select); coding-DNA position 1164, C replaced by T.
Protein change: p.Asn388=; no amino-acid change (asparagine 388 retained).
Molecular consequence: synonymous variant.
Genome position (GRCh38, 1-based): chr2:174,568,039, G>A on the plus strand (C>T on the coding strand, the complement: WIPF1 is on the minus strand). VCF-style: chr2-174568039-G-A. GRCh37 (hg19) VCF-style: chr2-175432767-G-A.
Other names: p.Asn388=; c.1164C>T, p.Asn388= (NM_001077269.1, NM_001375832.1, NM_001375833.1 and 2 more transcripts); c.786C>T, p.Asn262= (NM_001375839.1).
Identifiers: ClinVar variation 733279 (VCV000733279.13), dbSNP rs41270199, ClinGen allele CA1973960.
Genomic context (GRCh38, chr2:174,568,039, plus strand): 5'-GTCTACTCCACTCCTGGATGGCAACTGAGGGGTAGCAGGCAGGGCCCGAGATGTGCTGCC[G>A]TTTCTGCTTACTGGAGGAGGTGGTGGGAGGGGGCCTGGAGCAAAAAAAGACACTTAGTGC-3'
Protein context (NP_001362763.1, residues 378-398): PLPPPPPVSR[Asn388=]GSTSRALPAT

ClinVar aggregate classification (germline): Benign/Likely benign. Review status: criteria provided, multiple submitters, no conflicts (2 of 4 stars). 3 submissions from 3 submitters: Benign (1); Likely benign (2). Last evaluated 2026-01-18.

Conditions:
Wiskott-Aldrich syndrome 2 (WAS2). Also called: WIPF1 DEFICIENCY. Identifiers: Orphanet 906, MedGen C3281001, MONDO:0013779, OMIM 614493.

Allele frequency attached by ClinVar (database versions not stated): TOPMed 0.00013; gnomAD exomes 0.00014 and 0.00019; gnomAD 0.00015 and 0.00016; ExAC 0.00017; 1000 Genomes Project 0.00020; ESP Exome Variant Server 0.00023; 1000 Genomes Project 30x 0.00031.
gnomAD v4.1: 243 of 1,613,344 alleles (0.015%); highest among the groups gnomAD compares: East Asian, 0.016%; no homozygotes.

Submissions (3):

Labcorp Genetics (formerly Invitae), Labcorp
Classification: Benign for Wiskott-Aldrich syndrome 2. Last evaluated: 2026-01-18. Review status: criteria provided, single submitter. Criteria: Invitae Variant Classification Sherloc (09022015). Collection method: clinical testing. Allele origin: germline.

Mayo Clinic Laboratories, Mayo Clinic
Classification: Likely benign. Last evaluated: 2024-12-30. Review status: criteria provided, single submitter. Criteria: ACMG Guidelines, 2015. Collection method: clinical testing. Allele origin: germline. Observed: 1 variant allele.
Comment: BP4, BP7

Blueprint Genetics
Classification: Likely benign. Last evaluated: 2024-04-11. Review status: criteria provided, single submitter. Criteria: ACMG Guidelines, 2015. Collection method: clinical testing. Allele origin: germline.